The following is an entry in ClinVar:

NM_007294.4(BRCA1):c.3541G>C (p.Val1181Leu)

Genes: BRCA1 (BRCA1 DNA repair associated; minus strand), LOC126862571 (BRD4-independent group 4 enhancer GRCh37_chr17:41243136-41244335; plus strand). Cytogenetic location: 17q21.31.
Variant type: single nucleotide variant.
Coding change: c.3541G>C on transcript NM_007294.4 (MANE Select); coding-DNA position 3541, G replaced by C.
Protein change: p.Val1181Leu; replaces valine 1181 with leucine.
Molecular consequence: missense variant. On other transcripts: intron variant (135).
Genome position (GRCh38, 1-based): chr17:43,091,990, C>G on the plus strand (G>C on the coding strand, the complement: BRCA1 is on the minus strand). VCF-style: chr17-43091990-C-G. GRCh37 (hg19) VCF-style: chr17-41244007-C-G.
Other names: c.3205G>C, p.Val1069Leu (NM_001407958.1, NM_001407954.1, NM_001407955.1 and 1 more transcripts); c.3160G>C, p.Val1054Leu (NM_001407959.1, NM_001407960.1, NM_001407963.1); c.3157G>C, p.Val1053Leu (NM_001407962.1); c.3397G>C, p.Val1133Leu (NM_001407964.1, NM_001407740.1, NM_001407741.1 and 20 more transcripts); c.3037G>C, p.Val1013Leu (NM_001407965.1); c.2653G>C, p.Val885Leu (NM_001407966.1, NM_001407967.1); c.3541G>C, p.Val1181Leu (NM_007300.4, NM_001407581.1, NM_001407582.1 and 30 more transcripts); c.647-958G>C (NM_001408458.1, NM_001408469.1, NM_001408453.1 and 11 more transcripts); and 41 more; short protein forms V1134L, V1181L, V1053L, V1111L, V1133L, V1139L, V1155L, V1180L.
Identifiers: ClinVar variation 1346072 (VCV001346072.11), dbSNP rs56336919, ClinGen allele CA10594884.

ClinVar aggregate classification (germline): Conflicting classifications of pathogenicity. Review status: criteria provided, conflicting classifications (1 of 4 stars). 2 submissions from 2 submitters: Uncertain significance (1); Likely benign (1). Last evaluated 2024-09-23.

Conditions:
Hereditary cancer-predisposing syndrome. Also called: Hereditary neoplastic syndrome; Tumor predisposition; Neoplastic Syndromes, Hereditary; Hereditary Cancer Syndrome. Identifiers: Orphanet 140162, MedGen C0027672, MeSH D009386, MONDO:0015356.
Hereditary breast ovarian cancer syndrome. Also called: Hereditary breast and ovarian cancer; Hereditary breast and/or ovarian cancer syndrome; Breast and ovarian cancer; BRCA1- and BRCA2-Associated Hereditary Breast and Ovarian Cancer; Hereditary breast and ovarian cancer syndrome; Hereditary breast and ovarian cancer syndrome (HBOC). Identifiers: Orphanet 145, MedGen C0677776, MeSH D061325, MONDO:0003582. Disease mechanism: loss of function.

gnomAD v4.1: 2 of 1,614,060 alleles (0.00012%); highest among the groups gnomAD compares: Admixed American, 0.0033%; no homozygotes.

Submissions (2):

Labcorp Genetics (formerly Invitae), Labcorp
Classification: Uncertain significance for Hereditary breast ovarian cancer syndrome. Last evaluated: 2024-09-23. Review status: criteria provided, single submitter. Criteria: Invitae Variant Classification Sherloc (09022015). Collection method: clinical testing. Allele origin: germline.
Comment: This sequence change replaces valine, which is neutral and non-polar, with leucine, which is neutral and non-polar, at codon 1181 of the BRCA1 protein (p.Val1181Leu). This variant is present in population databases (no rsID available, gnomAD 0.006%). This variant has not been reported in the literature in individuals affected with BRCA1-related conditions. ClinVar contains an entry for this variant (Variation ID: 1346072). Invitae Evidence Modeling of protein sequence and biophysical properties (such as structural, functional, and spatial information, amino acid conservation, physicochemical variation, residue mobility, and thermodynamic stability) indicates that this missense variant is not expected to disrupt BRCA1 protein function with a negative predictive value of 95%. In summary, the available evidence is currently insufficient to determine the role of this variant in disease. Therefore, it has been classified as a Variant of Uncertain Significance.

University of Washington Department of Laboratory Medicine, University of Washington
Classification: Likely benign for Hereditary cancer-predisposing syndrome. Last evaluated: 2023-03-23. Review status: criteria provided, single submitter. Criteria: Dines et al. (Genet Med. 2020). Collection method: curation. Allele origin: germline.
Comment: Missense variant in a coldspot region where missense variants are very unlikely to be pathogenic (PMID:31911673).

BRCA1 coldspot (exon 11 using historical exon numbering). Reclassification based on statistical prior probability